The following is an entry in ClinVar:

ClinVar aggregate classification (germline): Uncertain significance (1 of 4 stars; one submission).

Conditions:
TSC2-related disorder. Also called: TSC2-Related Disorders; TSC2-related condition.

Submission:

PreventionGenetics, part of Exact Sciences
Classification: Uncertain significance for TSC2-related condition. Last evaluated: 2025-04-29. Review status: criteria provided, single submitter. Criteria: ACMG Guidelines, 2015. Collection method: clinical testing. Allele origin: germline.
Comment: The TSC2 c.4990G>C variant is predicted to result in the amino acid substitution p.Gly1664Arg. This variant is the first nucleotide of the exon and is predicted to alter splicing based on available splicing prediction software (SpliceAI, Jaganathan et al. 2019. PubMed ID: 30661751). However, the use of computer prediction software is not equivalent to functional evidence. To our knowledge, this variant has not been reported in the literature or in a large population database (gnomAD), indicating this variant is rare. At the time of reporting this variant is absent in ClinVar. At this time, the clinical significance of this variant is uncertain due to the absence of conclusive functional and genetic evidence.

NM_000548.5(TSC2):c.4990G>C (p.Gly1664Arg)

Gene: TSC2 (TSC complex subunit 2; plus strand). Cytogenetic location: 16p13.3.
Variant type: single nucleotide variant.
Coding change: c.4990G>C on transcript NM_000548.5 (MANE Select); coding-DNA position 4990, G replaced by C.
Protein change: p.Gly1664Arg; replaces glycine 1664 with arginine.
Molecular consequence: missense variant. On other transcripts: non-coding transcript variant (5).
Genome position (GRCh38, 1-based): chr16:2,087,863, G>C. VCF-style: chr16-2087863-G-C. GRCh37 (hg19) VCF-style: chr16-2137864-G-C.
Other names: c.4789G>C, p.Gly1597Arg (NM_001077183.3); c.4921G>C, p.Gly1641Arg (NM_001114382.3); c.4681G>C, p.Gly1561Arg (NM_001318827.2); c.4645G>C, p.Gly1549Arg (NM_001318829.2); c.4258G>C, p.Gly1420Arg (NM_001318831.2); c.4822G>C, p.Gly1608Arg (NM_001318832.2); c.4792G>C, p.Gly1598Arg (NM_001363528.2); c.4858G>C, p.Gly1620Arg (NM_001370404.1); and 26 more; short protein forms G1149R, G1150R, G1193R, G1444R, G1464R, G1591R, G1597R, G1598R.
Identifiers: ClinVar variation 4997852 (VCV004997852.1).